The following is an entry in ClinVar:

ClinVar aggregate classification (germline): Uncertain significance (1 of 4 stars; one submission).

Conditions:
Familial thoracic aortic aneurysm and aortic dissection (TAAD). Also called: Thoracic aortic aneurysms and dissections. Identifiers: Orphanet 91387, MedGen C4707243, MONDO:0019625.

Submission:

Ambry Genetics
Classification: Uncertain significance for Familial thoracic aortic aneurysm and aortic dissection. Last evaluated: 2024-11-10. Review status: criteria provided, single submitter. Criteria: Ambry Variant Classification Scheme 2023. Collection method: clinical testing. Allele origin: germline.
Comment: The p.Q1586P variant (also known as c.4757A>C), located in coding exon 32 of the MYH11 gene, results from an A to C substitution at nucleotide position 4757. The glutamine at codon 1586 is replaced by proline, an amino acid with similar properties. This amino acid position is conserved. In addition, the in silico prediction for this alteration is inconclusive. Based on the available evidence, the clinical significance of this variant remains unclear.

NM_002474.3(MYH11):c.4757A>C (p.Gln1586Pro)

Genes: MYH11 (myosin heavy chain 11; minus strand), NDE1 (nudE neurodevelopment protein 1; plus strand). Cytogenetic location: 16p13.11.
Variant type: single nucleotide variant.
Coding change: c.4757A>C on transcript NM_002474.3 (MANE Select); coding-DNA position 4757, A replaced by C.
Protein change: p.Gln1586Pro; replaces glutamine 1586 with proline.
Molecular consequence: missense variant. On other transcripts: intron variant (2).
Genome position (GRCh38, 1-based): chr16:15,720,873, T>G on the plus strand (A>C on the coding strand, the complement: MYH11 is on the minus strand). VCF-style: chr16-15720873-T-G. GRCh37 (hg19) VCF-style: chr16-15814730-T-G.
Other names: c.4778A>C, p.Gln1593Pro (NM_001040113.2, NM_001040114.2); c.4757A>C, p.Gln1586Pro (NM_022844.3); c.948-3318T>G (NM_001143979.2, NM_017668.3); short protein forms Q1586P, Q1593P.
Identifiers: ClinVar variation 3400664 (VCV003400664.1).
Genomic context (GRCh38, chr16:15,720,873, plus strand): 5'-CTGCTGGCCTCCCCGGCAGCACGCACCTGTCTCTGCAGTTGCCTCCTCTTCTCCTCATTC[T>G]GCTCGTCCCGGGCTTGGAGATCCCTTTCGAACTGGCCCTTGAGCGCCTGCATGTTGACTT-3'
Protein context (NP_002465.1, residues 1576-1596): FERDLQARDE[Gln1586Pro]NEEKRRQLQR